The following is an entry in ClinVar:

NM_000133.4(F9):c.979C>A (p.Leu327Ile)

Gene: F9 (coagulation factor IX; plus strand). Cytogenetic location: Xq27.1.
Variant type: single nucleotide variant.
Coding change: c.979C>A on transcript NM_000133.4 (MANE Select); coding-DNA position 979, C replaced by A.
Protein change: p.Leu327Ile; replaces leucine 327 with isoleucine.
Molecular consequence: missense variant.
Genome position (GRCh38, 1-based): chrX:139,561,664, C>A. VCF-style: chrX-139561664-C-A. GRCh37 (hg19) VCF-style: chrX-138643823-C-A.
Other names: c.865C>A, p.Leu289Ile (NM_001313913.2); short protein forms L289I, L327I.
Identifiers: ClinVar variation 4977610 (VCV004977610.1).
Genomic context (GRCh38, chrX:139,561,664, plus strand): 5'-GCAGCTATTAATAAGTACAACCATGACATTGCCCTTCTGGAACTGGACGAACCCTTAGTG[C>A]TAAACAGCTACGTTACACCTATTTGCATTGCTGACAAGGAATACACGAACATCTTCCTCA-3'
Protein context (NP_000124.1, residues 317-337): ALLELDEPLV[Leu327Ile]NSYVTPICIA

ClinVar aggregate classification (germline): Uncertain significance (1 of 4 stars; one submission).

Conditions:
F9-related disorder. Also called: F9-related condition.

gnomAD v4.1: 1 of 1,210,304 alleles (0.000083%); highest among the groups gnomAD compares: Admixed American, 0.0022%; no homozygotes.

Submission:

PreventionGenetics, part of Exact Sciences
Classification: Uncertain significance for F9-related condition. Last evaluated: 2025-03-22. Review status: criteria provided, single submitter. Criteria: ACMG Guidelines, 2015. Collection method: clinical testing. Allele origin: germline.
Comment: The F9 c.979C>A variant is predicted to result in the amino acid substitution p.Leu327Ile. To our knowledge, this variant has not been reported in the literature or in a large population database (gnomAD), indicating this variant is rare. At this time, the clinical significance of this variant is uncertain due to the absence of conclusive functional and genetic evidence.